The following is an entry in ClinVar:

ClinVar aggregate classification (germline): Uncertain significance (1 of 4 stars; one submission).

Conditions:
Arrhythmogenic cardiomyopathy with wooly hair and keratoderma. Also called: Arrhythmogenic cardiomyopathy with woolly hair and keratoderma; Carvajal syndrome; Dilated cardiomyopathy with woolly hair and keratoderma; PALMOPLANTAR KERATODERMA WITH LEFT VENTRICULAR CARDIOMYOPATHY AND WOOLLY HAIR. Identifiers: Orphanet 65282, MedGen C1854063, MONDO:0011581, OMIM 605676.
Arrhythmogenic right ventricular dysplasia 8 (ARVD8). Also called: ARRHYTHMOGENIC RIGHT VENTRICULAR DYSPLASIA, FAMILIAL, 8; Arrhythmogenic Right Ventricular Dysplasia/Cardiomyopathy 8; ARRHYTHMOGENIC RIGHT VENTRICULAR CARDIOMYOPATHY 8. Identifiers: MedGen C1843896, MONDO:0011831, OMIM 607450.

Submission:

Labcorp Genetics (formerly Invitae), Labcorp
Classification: Uncertain significance for Arrhythmogenic cardiomyopathy with wooly hair and keratoderma; Arrhythmogenic right ventricular dysplasia 8. Last evaluated: 2022-04-28. Review status: criteria provided, single submitter. Criteria: Invitae Variant Classification Sherloc (09022015). Collection method: clinical testing. Allele origin: germline.
Comment: In summary, the available evidence is currently insufficient to determine the role of this variant in disease. Therefore, it has been classified as a Variant of Uncertain Significance. Algorithms developed to predict the effect of missense changes on protein structure and function are either unavailable or do not agree on the potential impact of this missense change (SIFT: "Deleterious"; PolyPhen-2: "Benign"; Align-GVGD: "Class C0"). This variant has not been reported in the literature in individuals affected with DSP-related conditions. This variant is not present in population databases (gnomAD no frequency). This sequence change replaces alanine, which is neutral and non-polar, with threonine, which is neutral and polar, at codon 2005 of the DSP protein (p.Ala2005Thr).

NM_004415.4(DSP):c.6013G>A (p.Ala2005Thr)

Gene: DSP (desmoplakin; plus strand). Cytogenetic location: 6p24.3.
Variant type: single nucleotide variant.
Coding change: c.6013G>A on transcript NM_004415.4 (MANE Select); coding-DNA position 6013, G replaced by A.
Protein change: p.Ala2005Thr; replaces alanine 2005 with threonine.
Molecular consequence: missense variant.
Genome position (GRCh38, 1-based): chr6:7,583,275, G>A. VCF-style: chr6-7583275-G-A. GRCh37 (hg19) VCF-style: chr6-7583508-G-A.
Other names: c.4216G>A, p.Ala1406Thr (NM_001008844.3); c.4684G>A, p.Ala1562Thr (NM_001319034.2); short protein forms A1406T, A1562T, A2005T.
Identifiers: ClinVar variation 2418612 (VCV002418612.9), dbSNP rs1561701806, ClinGen allele CA362689905.
Genomic context (GRCh38, chr6:7,583,275, plus strand): 5'-CTGATCGACAAAACAACCTTGGACAAACTATTGAAGGGGAAGAAGTCAGTGGAAGAAGTT[G>A]CTTCTGAAATCCAGCCATTCCTTCGGGGTGCAGGATCTATCGCTGGAGCATCTGCTTCTC-3'
Protein context (NP_004406.2, residues 1995-2015): LKGKKSVEEV[Ala2005Thr]SEIQPFLRGA